The following is an entry in ClinVar:

NM_002949.4(MRPL12):c.372G>A (p.Ala124=)

Gene: MRPL12 (mitochondrial ribosomal protein L12; plus strand). Cytogenetic location: 17q25.3.
Variant type: single nucleotide variant.
Coding change: c.372G>A on transcript NM_002949.4 (MANE Select); coding-DNA position 372, G replaced by A.
Protein change: p.Ala124=; no amino-acid change (alanine 124 retained).
Molecular consequence: synonymous variant.
Genome position (GRCh38, 1-based): chr17:81,706,932, G>A. VCF-style: chr17-81706932-G-A. GRCh37 (hg19) VCF-style: chr17-79673962-G-A.
Identifiers: ClinVar variation 2419807 (VCV002419807.31), dbSNP rs552699026, ClinGen allele CA8841368.

ClinVar aggregate classification (germline): Likely benign. Review status: criteria provided, multiple submitters, no conflicts (2 of 4 stars). 2 submissions from 2 submitters: Likely benign (2). Last evaluated 2025-03-17.

Allele frequency attached by ClinVar (database versions not stated): 1000 Genomes Project 30x 0.00031; 1000 Genomes Project 0.00040.

Submissions (2):

Labcorp Genetics (formerly Invitae), Labcorp
Classification: Likely benign. Last evaluated: 2025-03-17. Review status: criteria provided, single submitter. Criteria: Invitae Variant Classification Sherloc (09022015). Collection method: clinical testing. Allele origin: germline.

CeGaT Center for Human Genetics Tuebingen
Classification: Likely benign. Last evaluated: 2023-01-01. Review status: criteria provided, single submitter. Criteria: CeGaT Center For Human Genetics Tuebingen Variant Classification Criteria Version 2. Collection method: clinical testing. Allele origin: germline. Affected: yes. Observed: 1 variant allele.
Comment: MRPL12: BP4, BP7